The following is an entry in ClinVar:

NM_001165963.4(SCN1A):c.4735G>A (p.Val1579Met)

Genes: SCN1A (sodium voltage-gated channel alpha subunit 1; minus strand), LOC102724058 (uncharacterized LOC102724058; plus strand). Cytogenetic location: 2q24.3.
Variant type: single nucleotide variant.
Coding change: c.4735G>A on transcript NM_001165963.4 (MANE Select); coding-DNA position 4735, G replaced by A.
Protein change: p.Val1579Met; replaces valine 1579 with methionine.
Molecular consequence: missense variant. On other transcripts: non-coding transcript variant (1).
Genome position (GRCh38, 1-based): chr2:165,994,263, C>T on the plus strand (G>A on the coding strand, the complement: SCN1A is on the minus strand). VCF-style: chr2-165994263-C-T. GRCh37 (hg19) VCF-style: chr2-166850773-C-T.
Other names: c.4702G>A, p.Val1568Met (NM_001353951.2, NM_001353952.2, NM_001353949.2 and 2 more transcripts); c.4699G>A, p.Val1567Met (NM_001353954.2, NM_001353955.2); c.4651G>A, p.Val1551Met (NM_001353957.2, NM_001353958.2, NM_001165964.3); c.4648G>A, p.Val1550Met (NM_001353960.2); c.2293G>A, p.Val765Met (NM_001353961.2); c.4735G>A (NM_001165963.1); c.4735G>A, p.Val1579Met (NM_001202435.3, NM_001353948.2); short protein forms V1579M, V1551M, V1567M, V1568M, V765M, V1550M.
Identifiers: ClinVar variation 3706203 (VCV003706203.3).

ClinVar aggregate classification (germline): Uncertain significance. Review status: criteria provided, multiple submitters, no conflicts (2 of 4 stars). 2 submissions from 2 submitters: Uncertain significance (2). Last evaluated 2024-09-29.

Conditions:
Early-infantile DEE. Also called: Early infantile epileptic encephalopathy; Ohtahara syndrome; Early infantile epileptic encephalopathy with suppression bursts. Identifiers: Orphanet 1934, MedGen C0393706, MONDO:0800491.

gnomAD v4.1: 3 of 1,613,044 alleles (0.00019%); highest among the groups gnomAD compares: Non-Finnish European, 0.00025%; no homozygotes.

Submissions (2):

GeneDx
Classification: Uncertain significance. Last evaluated: 2024-09-29. Review status: criteria provided, single submitter. Criteria: GeneDx Variant Classification Process June 2021. Collection method: clinical testing. Allele origin: germline. Affected: yes.
Comment: Not observed at significant frequency in large population cohorts (gnomAD); In silico analysis indicates that this missense variant does not alter protein structure/function; Has not been previously published as pathogenic or benign to our knowledge; This substitution is predicted to be within the transmembrane segment S2 of the fourth homologous domain

Labcorp Genetics (formerly Invitae), Labcorp
Classification: Uncertain significance for Early-infantile DEE. Last evaluated: 2024-08-31. Review status: criteria provided, single submitter. Criteria: Invitae Variant Classification Sherloc (09022015). Collection method: clinical testing. Allele origin: germline.
Comment: This sequence change replaces valine, which is neutral and non-polar, with methionine, which is neutral and non-polar, at codon 1579 of the SCN1A protein (p.Val1579Met). This variant is not present in population databases (gnomAD no frequency). This variant has not been reported in the literature in individuals affected with SCN1A-related conditions. Invitae Evidence Modeling of protein sequence and biophysical properties (such as structural, functional, and spatial information, amino acid conservation, physicochemical variation, residue mobility, and thermodynamic stability) indicates that this missense variant is expected to disrupt SCN1A protein function with a positive predictive value of 95%. This variant disrupts the p.Val1579 amino acid residue in SCN1A. Other variant(s) that disrupt this residue have been observed in individuals with SCN1A-related conditions (PMID: 18930999; internal data), which suggests that this may be a clinically significant amino acid residue. In summary, the available evidence is currently insufficient to determine the role of this variant in disease. Therefore, it has been classified as a Variant of Uncertain Significance.

Literature cited by the submitters: PubMed 18930999 (cited by Labcorp Genetics (formerly Invitae), Labcorp).